The following is an entry in ClinVar:

NM_001999.4(FBN2):c.1727T>C (p.Ile576Thr)

Gene: FBN2 (fibrillin 2; minus strand). Cytogenetic location: 5q23.3.
Variant type: single nucleotide variant.
Coding change: c.1727T>C on transcript NM_001999.4 (MANE Select); coding-DNA position 1727, T replaced by C.
Protein change: p.Ile576Thr; replaces isoleucine 576 with threonine.
Molecular consequence: missense variant.
Genome position (GRCh38, 1-based): chr5:128,377,874, A>G on the plus strand (T>C on the coding strand, the complement: FBN2 is on the minus strand). VCF-style: chr5-128377874-A-G. GRCh37 (hg19) VCF-style: chr5-127713567-A-G.
Other names: short protein forms I576T.
Identifiers: ClinVar variation 213277 (VCV000213277.2), dbSNP rs863223552, ClinGen allele CA322447.
Genomic context (GRCh38, chr5:128,377,874, plus strand): 5'-CCATCTGTGTTCACGCATCGACCGTTTTTACAAAGAACCCCATTCTGGATGCACTCATCA[A>G]TATCTAGGAAGATTGAGAATGGCCAAACATCATTCTTTTACAATACTTATAGATAAACAC-3'
Protein context (NP_001990.2, residues 566-586): RTPTKQACID[Ile576Thr]DECIQNGVLC

ClinVar aggregate classification (germline): Uncertain significance (1 of 4 stars; one submission).

Submission:

GeneDx
Classification: Uncertain significance. Last evaluated: 2014-01-12. Review status: criteria provided, single submitter. Criteria: GeneDx Variant Classification (06012015). Collection method: clinical testing. Allele origin: germline. Affected: yes.
Comment: p.Ile576Thr (ATT>ACT): c.1727 T>C in exon 13 of the FBN2 gene (NM_001999.3) The I576T variant in the FBN2 gene has not been reported as a disease-causing mutation or as a benign polymorphism to our knowledge. The I576T variant is a non-conservative amino acid substitution as these residues differ in polarity, charge, size and/or other properties and is more likely to impact secondary structure. The Ile576 residue is conserved in mammals. In silico analysis predicts I576T is damaging to the protein structure/function. The I576T variant was not observed in approximately 6,500 individuals of European and African American ancestry in the NHLBI Exome Sequencing Project, indicating it is not a common benign variant in these populations. However, no mutations in nearby residues have been reported in association with contractual arachnodactyly or a related disorder, suggesting this region of the protein may be tolerant to change. With the clinical and molecular information available at this time, we cannot definitively determine if I576T is a disease-causing mutation or a rare benign variant. This variant was found in TAAD